The following is an entry in ClinVar:

NM_005188.4(CBL):c.1423G>A (p.Gly475Ser)

Gene: CBL (Cbl proto-oncogene; plus strand). Cytogenetic location: 11q23.3.
Variant type: single nucleotide variant.
Coding change: c.1423G>A on transcript NM_005188.4 (MANE Select); coding-DNA position 1423, G replaced by A.
Protein change: p.Gly475Ser; replaces glycine 475 with serine.
Molecular consequence: missense variant.
Genome position (GRCh38, 1-based): chr11:119,278,705, G>A. VCF-style: chr11-119278705-G-A. GRCh37 (hg19) VCF-style: chr11-119149415-G-A.
Other names: c.1423G>A (NM_005188.2); short protein forms G475S.
Identifiers: ClinVar variation 477697 (VCV000477697.10), dbSNP rs764599897, ClinGen allele CA6318512.

ClinVar aggregate classification (germline): Conflicting classifications of pathogenicity. Review status: criteria provided, conflicting classifications (1 of 4 stars). 4 submissions from 4 submitters: Uncertain significance (3); Likely benign (1). Last evaluated 2025-09-07.

Conditions:
RASopathy. Also called: rasopathies; Noonan spectrum disorder. Identifiers: Orphanet 536391, MedGen C5555857, MONDO:0021060.
Cardiovascular phenotype. Identifiers: MedGen CN230736.
CBL-related disorder. Also called: NOONAN SYNDROME-LIKE DISORDER WITHOUT JUVENILE MYELOMONOCYTIC LEUKEMIA; CBL MUTATION-ASSOCIATED SYNDROME; CBL SYNDROME. Identifiers: Orphanet 363972, MedGen C3150803, MONDO:0013308, OMIM 613563.
Juvenile myelomonocytic leukemia (JMML). Also called: LEUKEMIA, JUVENILE MYELOMONOCYTIC, SOMATIC. Identifiers: Orphanet 86834, MedGen C0349639, MONDO:0011908, OMIM 607785, HP:0012209.

Allele frequency attached by ClinVar (database versions not stated): gnomAD exomes below 0.00001 and 0.00001; ExAC 0.00001; TOPMed 0.00003; gnomAD 0.00005 and 0.00006.
gnomAD v4.1: 16 of 1,613,808 alleles (0.00099%); highest among the groups gnomAD compares: African/African-American, 0.013%; no homozygotes.

Submissions (4):

Labcorp Genetics (formerly Invitae), Labcorp
Classification: Likely benign for RASopathy. Last evaluated: 2025-09-07. Review status: criteria provided, single submitter. Criteria: Invitae Variant Classification Sherloc (09022015). Collection method: clinical testing. Allele origin: germline.

Ambry Genetics
Classification: Uncertain significance for Cardiovascular phenotype. Last evaluated: 2024-09-17. Review status: criteria provided, single submitter. Criteria: Ambry Variant Classification Scheme 2023. Collection method: clinical testing. Allele origin: germline.
Comment: The p.G475S variant (also known as c.1423G>A), located in coding exon 9 of the CBL gene, results from a G to A substitution at nucleotide position 1423. The glycine at codon 475 is replaced by serine, an amino acid with similar properties. This variant was reported in a subject with features of Noonan syndrome, but was also seen in an unaffected parent (Martinelli S et al. Hum Mutat, 2015 Aug;36:787-96). This amino acid position is well conserved in available vertebrate species. In addition, this alteration is predicted to be tolerated by in silico analysis. Based on the available evidence, the clinical significance of this variant remains unclear.

Women's Health and Genetics/Laboratory Corporation of America, LabCorp
Classification: Uncertain significance. Last evaluated: 2023-05-30. Review status: criteria provided, single submitter. Criteria: LabCorp Variant Classification Summary - May 2015. Collection method: clinical testing. Allele origin: germline.
Comment: Variant summary: CBL c.1423G>A (p.Gly475Ser) results in a non-conservative amino acid change in the encoded protein sequence. Three of five in-silico tools predict a benign effect of the variant on protein function. The variant allele was found at a frequency of 8e-06 in 250944 control chromosomes (gnomAD). The available data on variant occurrences in the general population are insufficient to allow any conclusion about variant significance. To our knowledge, no occurrence of c.1423G>A in individuals affected with Noonan Syndrome-Like Disorder and no experimental evidence demonstrating its impact on protein function have been reported. The following publications have been ascertained in the context of this evaluation (PMID: 27069254, 25224413, 19387008, 23690417, 21828135, 19901108, 20619386, 25952305, 20951944, 19620960, 22733026, 23010802, 29296819). Two ClinVar submitters have assessed the variant since 2014: one classified the variant as likely benign, and one as uncertain significance. Based on the evidence outlined above, the variant was classified as uncertain significance.

Fulgent Genetics
Classification: Uncertain significance for Juvenile myelomonocytic leukemia; CBL-related disorder. Last evaluated: 2021-12-03. Review status: criteria provided, single submitter. Criteria: ACMG Guidelines, 2015. Collection method: clinical testing. Allele origin: unknown.

Literature cited by the submitters: PubMed 25952305 (cited by Ambry Genetics and Women's Health and Genetics/Laboratory Corporation of America, LabCorp); PubMed 25224413 (cited by Women's Health and Genetics/Laboratory Corporation of America, LabCorp); PubMed 21828135 (cited by Women's Health and Genetics/Laboratory Corporation of America, LabCorp); PubMed 23690417 (cited by Women's Health and Genetics/Laboratory Corporation of America, LabCorp); PubMed 19387008 (cited by Women's Health and Genetics/Laboratory Corporation of America, LabCorp); PubMed 19901108 (cited by Women's Health and Genetics/Laboratory Corporation of America, LabCorp); PubMed 20951944 (cited by Women's Health and Genetics/Laboratory Corporation of America, LabCorp); PubMed 19620960 (cited by Women's Health and Genetics/Laboratory Corporation of America, LabCorp); PubMed 22733026 (cited by Women's Health and Genetics/Laboratory Corporation of America, LabCorp); PubMed 29296819 (cited by Women's Health and Genetics/Laboratory Corporation of America, LabCorp); PubMed 20619386 (cited by Women's Health and Genetics/Laboratory Corporation of America, LabCorp); PubMed 23010802 (cited by Women's Health and Genetics/Laboratory Corporation of America, LabCorp); PubMed 27069254 (cited by Women's Health and Genetics/Laboratory Corporation of America, LabCorp).